The following is an entry in ClinVar:

NM_024817.3(THSD4):c.721C>T (p.Pro241Ser)

Gene: THSD4 (thrombospondin type 1 domain containing 4; plus strand). Cytogenetic location: 15q23.
Variant type: single nucleotide variant.
Coding change: c.721C>T on transcript NM_024817.3 (MANE Select); coding-DNA position 721, C replaced by T.
Protein change: p.Pro241Ser; replaces proline 241 with serine.
Molecular consequence: missense variant.
Genome position (GRCh38, 1-based): chr15:71,242,905, C>T. VCF-style: chr15-71242905-C-T. GRCh37 (hg19) VCF-style: chr15-71535244-C-T.
Other names: c.721C>T (NM_024817.2); c.721C>T, p.Pro241Ser (NM_001394532.1); short protein forms P241S.
Identifiers: ClinVar variation 3257175 (VCV003257175.18).

ClinVar aggregate classification (germline): Likely benign. Review status: criteria provided, multiple submitters, no conflicts (2 of 4 stars). 2 submissions from 2 submitters: Likely benign (2). Last evaluated 2024-10-04.

Submissions (2):

Ambry Genetics
Classification: Likely benign. Last evaluated: 2024-10-04. Review status: criteria provided, single submitter. Criteria: Ambry Variant Classification Scheme 2023. Collection method: clinical testing. Allele origin: germline.

CeGaT Center for Human Genetics Tuebingen
Classification: Likely benign. Last evaluated: 2024-07-01. Review status: criteria provided, single submitter. Criteria: CeGaT Center For Human Genetics Tuebingen Variant Classification Criteria Version 2. Collection method: clinical testing. Allele origin: germline. Affected: yes. Observed: 1 variant allele.
Comment: THSD4: BP4